The following is an entry in ClinVar:

ClinVar aggregate classification (germline): Uncertain significance (1 of 4 stars; one submission).

Conditions:
NCOA1-related disorder. Also called: NCOA1-related condition.

Submission:

PreventionGenetics, part of Exact Sciences
Classification: Uncertain significance for NCOA1-related condition. Last evaluated: 2026-09-08. Review status: criteria provided, single submitter. Criteria: ACMG Guidelines, 2015. Collection method: clinical testing. Allele origin: germline.
Comment: The NCOA1 c.1394_1396dupGTA variant is predicted to result in an in-frame duplication (p.Ser465dup). To our knowledge, this variant has not been reported in the literature or in a large population database, indicating this variant is rare. At PreventionGenetics, this variant has been noted in the heterozygous state alone or in combination with other possible obesity related genetic variants in individuals undergoing testing for childhood onset obesity. At this time, the clinical significance of this variant is uncertain due to the absence of conclusive functional and genetic evidence.

NM_003743.5(NCOA1):c.1394_1396dup (p.Ser465_Asn466insSer)

Gene: NCOA1 (nuclear receptor coactivator 1; plus strand). Cytogenetic location: 2p23.3.
Variant type: Duplication.
Coding change: c.1394_1396dup on transcript NM_003743.5 (MANE Select); coding-DNA positions 1394 to 1396, 3 bases duplicated (GTA; older notation c.1394_1396dupGTA).
Protein change: p.Ser465_Asn466insSer.
Molecular consequence: inframe insertion.
Genome position (GRCh38, 1-based): chr2:24,706,864-24,706,866, GTA duplicated; duplicating any 3 consecutive bases within chr2:24,706,863-24,706,866 gives the same sequence; the c. name uses the placement nearest the transcript's 3' end. VCF-style (leftmost placement, unchanged base first): chr2-24706862-C-CAGT. GRCh37 (hg19) VCF-style: chr2-24929731-C-CAGT.
Other names: c.1394_1396dup, p.Ser465_Asn466insSer (NM_001362950.1, NM_001362952.1, NM_001362954.1 and 3 more transcripts).
Identifiers: ClinVar variation 3355120 (VCV003355120.2).